The following is an entry in ClinVar:

NM_005633.4(SOS1):c.2371C>A (p.Leu791Ile)

Gene: SOS1 (SOS Ras/Rac guanine nucleotide exchange factor 1; minus strand). Cytogenetic location: 2p22.1.
Variant type: single nucleotide variant.
Coding change: c.2371C>A on transcript NM_005633.4 (MANE Select); coding-DNA position 2371, C replaced by A.
Protein change: p.Leu791Ile; replaces leucine 791 with isoleucine.
Molecular consequence: missense variant.
Genome position (GRCh38, 1-based): chr2:39,012,145, G>T on the plus strand (C>A on the coding strand, the complement: SOS1 is on the minus strand). VCF-style: chr2-39012145-G-T. GRCh37 (hg19) VCF-style: chr2-39239286-G-T.
Other names: p.L791I:CTT>ATT; NM_005633.3(SOS1):c.2371C>A; c.2350C>A, p.Leu784Ile (NM_001382394.1); c.2371C>A, p.Leu791Ile (NM_001382395.1); short protein forms L791I, L784I.
Identifiers: ClinVar variation 40702 (VCV000040702.62), dbSNP rs142004123, ClinGen allele CA136098.

ClinVar aggregate classification (germline): Benign. Review status: reviewed by expert panel (3 of 4 stars). 18 submissions from 17 submitters: Benign (1). 17 of the submissions do not count toward it. Last evaluated 2017-04-03.

Conditions:
Noonan syndrome and Noonan-related syndrome. Identifiers: Orphanet 98733, MedGen C5681679, MONDO:0020297.
Cardiovascular phenotype. Identifiers: MedGen CN230736.
RASopathy. Also called: rasopathies; Noonan spectrum disorder. Identifiers: Orphanet 536391, MedGen C5555857, MONDO:0021060.
Noonan syndrome (NS). Also called: Noonan's syndrome. Identifiers: Orphanet 648, MedGen C0028326, MeSH D009634, MONDO:0018997. Disease mechanism: gain of function.
Noonan syndrome 4 (NS4). Also called: NOONAN SYNDROME WITH PIGMENTED VILLONODULAR SYNOVITIS; SOS1-Related Noonan Syndrome. Identifiers: Orphanet 648, MedGen C1853120, MONDO:0012547, OMIM 610733.
Fibromatosis, gingival, 1 (GINGF1). Identifiers: Orphanet 2024, MedGen C4551558, MONDO:0007609, OMIM 135300.
Intellectual disability. Also called: Intellectual developmental disorder; Intellectual functioning disability; intellectual disabilities. Identifiers: MedGen C3714756, MeSH D008607, MONDO:0001071, HP:0001249.

Allele frequency attached by ClinVar (database versions not stated): gnomAD exomes 0.00060; 1000 Genomes Project 30x 0.00016; 1000 Genomes Project 0.00020; TOPMed 0.00048; gnomAD 0.00053; ESP Exome Variant Server 0.00085; ExAC 0.00065.
gnomAD v4.1: 723 of 1,611,870 alleles (0.045%); highest among the groups gnomAD compares: Admixed American, 0.07%; 1 homozygote.

Submissions (18):

ClinGen RASopathy Variant Curation Expert Panel
Classification: Benign for Noonan syndrome and Noonan-related syndrome. Last evaluated: 2017-04-03. Review status: reviewed by expert panel. Criteria: ClinGen RASopathy ACMG Specifications v1. Collection method: curation. Allele origin: germline. Inheritance: Autosomal dominant inheritance.
Comment: The filtering allele frequency of the c.2371C>A (p.Leu791Ile) variant in the SOS1 gene is 0.081% for European (Non-Finnish) chromosomes by the Exome Aggregation Consortium (67/66688 with 95% CI), which is a high enough frequency to be classified as benign based on thresholds defined by the ClinGen RASopathy Expert panel for autosomal dominant RASopathy variants (BA1).

CeGaT Center for Human Genetics Tuebingen
Classification: Likely benign. Last evaluated: 2026-07-01. Review status: criteria provided, single submitter. Criteria: CeGaT Center For Human Genetics Tuebingen Variant Classification Criteria Version 2. Collection method: clinical testing. Allele origin: germline. Affected: yes. Observed: 6 variant alleles. Not counted in ClinVar's aggregate classification.
Comment: SOS1: BS1

Labcorp Genetics (formerly Invitae), Labcorp
Classification: Likely benign for RASopathy. Last evaluated: 2026-02-03. Review status: criteria provided, single submitter. Criteria: Invitae Variant Classification Sherloc (09022015). Collection method: clinical testing. Allele origin: germline. Not counted in ClinVar's aggregate classification.

Mayo Clinic Laboratories, Mayo Clinic
Classification: Benign. Last evaluated: 2025-06-02. Review status: criteria provided, single submitter. Criteria: ACMG Guidelines, 2015. Collection method: clinical testing. Allele origin: germline. Observed: 1 variant allele. Not counted in ClinVar's aggregate classification.
Comment: BA1, BP4_moderate

Laboratory of Genetics, Children's Clinical University Hospital Latvia
Classification: Likely benign. Last evaluated: 2025-02-16. Review status: criteria provided, single submitter. Criteria: ACMG Guidelines, 2015. Collection method: clinical testing. Allele origin: germline. Affected: yes. Not counted in ClinVar's aggregate classification.

Blueprint Genetics
Classification: Likely benign. Last evaluated: 2024-11-14. Review status: criteria provided, single submitter. Criteria: ACMG Guidelines, 2015. Collection method: clinical testing. Allele origin: germline. Not counted in ClinVar's aggregate classification.

Ambry Genetics
Classification: Likely benign for Cardiovascular phenotype. Last evaluated: 2024-09-13. Review status: criteria provided, single submitter. Criteria: Ambry Variant Classification Scheme 2023. Collection method: clinical testing. Allele origin: germline. Not counted in ClinVar's aggregate classification.

St. Jude Molecular Pathology, St. Jude Children's Research Hospital
Classification: Benign for Noonan syndrome. Last evaluated: 2020-09-23. Review status: criteria provided, single submitter. Criteria: St. Jude Assertion Criteria 2020. Collection method: clinical testing. Allele origin: germline. Not counted in ClinVar's aggregate classification.
Comment: The c.2371C>A missense variant has a frequency of 0.0005737 (162 of 282,368 alleles) in gnomAD v2.1.1 with a maximum allele frequency of 0.0009786 (126 of 128,756) in the European non-Finnish population. This is a high enough frequency to be classified as benign based on thresholds defined by the ClinGen RASopathy Expert Panel for autosomal dominant RASopathy variants (BA1). In silico tools are not in agreement regarding the effect of this variant on protein function and functional assays have not been performed. This variant has been classified as benign by the ClinGen RASopathy Variant Curation Expert Panel (SCV000616439.3). In summary, this variant meets criteria to be classified as benign based on the ACMG/AMP criteria, as specified by the ClinGen RASopathy Variant Curation Expert Panel (PMID:29493581): BA1.

Cambridge Genomics Laboratory, East Genomic Laboratory Hub, NHS Genomic Medicine Service
Classification: Benign for Intellectual disability. Last evaluated: 2019-11-21. Review status: criteria provided, single submitter. Criteria: ACGS Best Practice Guidelines for Variant Classification in Rare Disease 2020. Collection method: clinical testing. Allele origin: germline. Affected: yes. Observed: 1 variant allele. Not counted in ClinVar's aggregate classification.

Genome Diagnostics Laboratory, The Hospital for Sick Children
Classification: Benign for Noonan syndrome and Noonan-related syndrome. Last evaluated: 2019-06-01. Review status: criteria provided, single submitter. Criteria: ACMG Guidelines, 2015. Collection method: clinical testing. Allele origin: germline. Not counted in ClinVar's aggregate classification.

Eurofins Ntd Llc (ga)
Classification: Benign. Last evaluated: 2018-09-17. Review status: criteria provided, single submitter. Criteria: EGL ClinVar v180209 classification definitions. Collection method: clinical testing. Allele origin: germline. Observed: 2 variant alleles, 2 heterozygotes. Not counted in ClinVar's aggregate classification.

Women's Health and Genetics/Laboratory Corporation of America, LabCorp
Classification: Benign. Last evaluated: 2017-09-05. Review status: criteria provided, single submitter. Criteria: LabCorp Variant Classification Summary - May 2015. Collection method: clinical testing. Allele origin: germline. Not counted in ClinVar's aggregate classification.
Comment: Variant summary: The SOS1 c.2371C>A (p.Leu791Ile) variant located in the Ras guanine nucleotide exchange factor domain (via InterPro) involves the alteration of a conserved nucleotide and 3/5 in silico tools predict a benign outcome for this variant. However, these predictions have yet to be functionally assessed. This variant was found in 153/276674 control chromosomes at a frequency of 0.000553, which is approximately 18 times the estimated maximal expected allele frequency of a pathogenic SOS1 variant (0.00003), suggesting this variant is likely a benign polymorphism. A publication, Lepri_2014, cites the variant in 2 individuals with limited information (ie, lack of cosegregation and/or co-occurrence data). In addition, multiple clinical diagnostic laboratories/reputable databases classified this variant as likely benign/benign. Taken together, this variant is classified as benign.

Illumina Laboratory Services, Illumina
Classification: Uncertain significance for Noonan syndrome 4. Last evaluated: 2017-04-27. Review status: criteria provided, single submitter. Criteria: ICSL Variant Classification Criteria 13 December 2019. Collection method: clinical testing. Allele origin: germline. Not counted in ClinVar's aggregate classification.
Comment: This variant was observed as part of a predisposition screen in an ostensibly healthy population. A literature search was performed for the gene, cDNA change, and amino acid change (where applicable). Publications were found based on this search. However, the evidence from the literature, in combination with allele frequency data from public databases where available, was not sufficient to rule this variant in or out of causing disease. Therefore, this variant is classified as a variant of unknown significance.

Illumina Laboratory Services, Illumina
Classification: Benign for Fibromatosis, gingival, 1. Last evaluated: 2017-04-27. Review status: criteria provided, single submitter. Criteria: ICSL Variant Classification Criteria 13 December 2019. Collection method: clinical testing. Allele origin: germline. Not counted in ClinVar's aggregate classification.
Comment: This variant was observed as part of a predisposition screen in an ostensibly healthy population. A literature search was performed for the gene, cDNA change, and amino acid change (where applicable). No publications were found based on this search. Allele frequency data from public databases was too high to be consistent with this variant causing disease. Therefore, this variant is classified as benign.

GeneDx
Classification: Benign. Last evaluated: 2016-06-06. Review status: criteria provided, single submitter. Criteria: GeneDx Variant Classification (06012015). Collection method: clinical testing. Allele origin: germline. Affected: yes. Not counted in ClinVar's aggregate classification.
Comment: This variant is considered likely benign or benign based on one or more of the following criteria: it is a conservative change, it occurs at a poorly conserved position in the protein, it is predicted to be benign by multiple in silico algorithms, and/or has population frequency not consistent with disease.

Laboratory for Molecular Medicine, Mass General Brigham Personalized Medicine
Classification: Likely benign. Last evaluated: 2015-06-05. Review status: criteria provided, single submitter. Criteria: LMM Criteria. Collection method: clinical testing. Allele origin: germline. Observed: 4 variant alleles. Not counted in ClinVar's aggregate classification.
Comment: proposed classification - variant undergoing re-assessment, contact laboratory

Breakthrough Genomics
Classification: Benign. Review status: criteria provided, single submitter. Criteria: ACMG Guidelines, 2015. Collection method: not provided. Allele origin: germline. Inheritance: Autosomal dominant inheritance. Affected: yes. Not counted in ClinVar's aggregate classification.

Service de Génétique Moléculaire, Hôpital Robert Debré
Classification: Uncertain significance for Noonan syndrome. Review status: no assertion criteria provided. Collection method: clinical testing. Allele origin: unknown. Affected: yes. Not counted in ClinVar's aggregate classification.

Literature cited by the submitters: PubMed 24451042 (cited by 3 submitters); PubMed 25802880 (cited by Women's Health and Genetics/Laboratory Corporation of America, LabCorp).